The following is an entry in ClinVar:

NM_130797.4(DPP6):c.99C>G (p.Pro33=)

Gene: DPP6 (dipeptidyl peptidase like 6; plus strand). Cytogenetic location: 7q36.2.
Variant type: single nucleotide variant.
Coding change: c.99C>G on transcript NM_130797.4 (MANE Select); coding-DNA position 99, C replaced by G.
Protein change: p.Pro33=; no amino-acid change (proline 33 retained).
Molecular consequence: synonymous variant. On other transcripts: intron variant (6).
Genome position (GRCh38, 1-based): chr7:154,052,919, C>G. VCF-style: chr7-154052919-C-G. GRCh37 (hg19) VCF-style: chr7-153750004-C-G.
Other names: c.99C>G, p.Pro33= (NM_001290253.2); c.60+303911C>G (NM_001364500.2, NM_001364499.2, NM_001364497.2 and 1 more transcripts); c.51+165185C>G (NM_001364501.2, NM_001039350.3).
Identifiers: ClinVar variation 2658247 (VCV002658247.25), dbSNP rs528815814, ClinGen allele CA4582960.
Genomic context (GRCh38, chr7:154,052,919, plus strand): 5'-CACCTCGAGGTCCTTCCCCGCGCCCCCGGAGGCGAGTCACCTCCTGGGCGGCCAGGGGCC[C>G]GAGGAGGACGGCGGCGCAGGAGCCAAGCCCCTCGGCCCGCGGGCGCAGGCGGCGGCGCCC-3'
Protein context (NP_570629.2, residues 23-43): EASHLLGGQG[Pro33=]EEDGGAGAKP

ClinVar aggregate classification (germline): Likely benign. Review status: criteria provided, multiple submitters, no conflicts (2 of 4 stars). 2 submissions from 2 submitters: Likely benign (2). Last evaluated 2024-09-25.

Allele frequency attached by ClinVar (database versions not stated): 1000 Genomes Project 30x 0.00016; 1000 Genomes Project 0.00020; ExAC 0.00044; TOPMed 0.00054.
gnomAD v4.1: 669 of 1,496,680 alleles (0.045%); highest among the groups gnomAD compares: Non-Finnish European, 0.054%; 1 homozygote.

Submissions (2):

Blueprint Genetics
Classification: Likely benign. Last evaluated: 2024-09-25. Review status: criteria provided, single submitter. Criteria: ACMG Guidelines, 2015. Collection method: clinical testing. Allele origin: germline.

CeGaT Center for Human Genetics Tuebingen
Classification: Likely benign. Last evaluated: 2024-07-01. Review status: criteria provided, single submitter. Criteria: CeGaT Center For Human Genetics Tuebingen Variant Classification Criteria Version 2. Collection method: clinical testing. Allele origin: germline. Affected: yes. Observed: 2 variant alleles.
Comment: DPP6: BP4, BP7